The following is an entry in ClinVar:

NM_138386.3(NAF1):c.179A>G (p.Lys60Arg)

Gene: NAF1 (nuclear assembly factor 1 ribonucleoprotein; minus strand). Cytogenetic location: 4q32.2.
Variant type: single nucleotide variant.
Coding change: c.179A>G on transcript NM_138386.3 (MANE Select); coding-DNA position 179, A replaced by G.
Protein change: p.Lys60Arg; replaces lysine 60 with arginine.
Molecular consequence: missense variant.
Genome position (GRCh38, 1-based): chr4:163,166,549, T>C on the plus strand (A>G on the coding strand, the complement: NAF1 is on the minus strand). VCF-style: chr4-163166549-T-C. GRCh37 (hg19) VCF-style: chr4-164087701-T-C.
Other names: c.179A>G, p.Lys60Arg (NM_001128931.2); short protein forms K60R.
Identifiers: ClinVar variation 3682101 (VCV003682101.2).
Genomic context (GRCh38, chr4:163,166,549, plus strand): 5'-GCCGGGGTCCCGGCCGCGACGGCGTTCAGAACGGGCTGCAGAGGCTGCTCCCCGGCAGGC[T>C]TAACCTCCACGGTCTGCCCAGCGTCCGGGGACCCCTCAAACGACTGTAGCGGCGGCTGTG-3'
Protein context (NP_612395.2, residues 50-70): SPDAGQTVEV[Lys60Arg]PAGEQPLQPV

ClinVar aggregate classification (germline): Uncertain significance (1 of 4 stars; one submission).

gnomAD v4.1: 9 of 1,594,692 alleles (0.00056%); highest among the groups gnomAD compares: African/African-American, 0.0094%; no homozygotes.

Submission:

Labcorp Genetics (formerly Invitae), Labcorp
Classification: Uncertain significance. Last evaluated: 2024-06-03. Review status: criteria provided, single submitter. Criteria: Invitae Variant Classification Sherloc (09022015). Collection method: clinical testing. Allele origin: germline.
Comment: This sequence change replaces lysine, which is basic and polar, with arginine, which is basic and polar, at codon 60 of the NAF1 protein (p.Lys60Arg). This variant is present in population databases (no rsID available, gnomAD no frequency). This variant has not been reported in the literature in individuals affected with NAF1-related conditions. Algorithms developed to predict the effect of missense changes on protein structure and function output the following: SIFT: "Not Available"; PolyPhen-2: "Benign"; Align-GVGD: "Not Available". The arginine amino acid residue is found in multiple mammalian species, which suggests that this missense change does not adversely affect protein function. In summary, the available evidence is currently insufficient to determine the role of this variant in disease. Therefore, it has been classified as a Variant of Uncertain Significance.